The following is an entry in ClinVar:

NM_207361.6(FREM2):c.2833del (p.His945fs)

Gene: FREM2 (FRAS1 related extracellular matrix 2; plus strand). Cytogenetic location: 13q13.3.
Variant type: Deletion.
Coding change: c.2833del on transcript NM_207361.6 (MANE Select); coding-DNA position 2833, one base deleted (C; older notation c.2833delC).
Protein change: p.His945fs; shifts the reading frame from histidine 945.
Molecular consequence: frameshift variant.
Genome position (GRCh38, 1-based): chr13:38,690,177, C deleted; the last of 2 consecutive C bases (chr13:38,690,176-38,690,177); deleting either gives the same sequence. VCF-style (leftmost placement, unchanged base first): chr13-38690175-GC-G. GRCh37 (hg19) VCF-style: chr13-39264312-GC-G.
Other names: c.2833delC (NM_207361.5); short protein forms H945fs.
Identifiers: ClinVar variation 1322940 (VCV001322940.9), dbSNP rs759257554, ClinGen allele CA6954680.

ClinVar aggregate classification (germline): Pathogenic/Likely pathogenic. Review status: criteria provided, multiple submitters, no conflicts (2 of 4 stars). 4 submissions from 4 submitters: Pathogenic (2); Likely pathogenic (2). Last evaluated 2024-05-26.

Conditions:
Fraser syndrome 2 (FRASRS2). Identifiers: MedGen C4540036, MONDO:0054738, OMIM 617666.
Isolated cryptophthalmia. Also called: Cryptophthalmos, unilateral or bilateral, isolated; ANKYLOBLEPHARON, SIMPLE. Identifiers: Orphanet 91396, MedGen C1852453, MONDO:0007410, OMIM 123570.
Fraser syndrome 1 (FRASRS1). Also called: CRYPTOPHTHALMOS WITH OTHER MALFORMATIONS. Identifiers: Orphanet 2052, MedGen C4551480, MONDO:0054737, OMIM 219000.

Submissions (4):

Fulgent Genetics
Classification: Likely pathogenic for Isolated cryptophthalmia; Fraser syndrome 2. Last evaluated: 2024-05-26. Review status: criteria provided, single submitter. Criteria: ACMG Guidelines, 2015. Collection method: clinical testing. Allele origin: germline.

Labcorp Genetics (formerly Invitae), Labcorp
Classification: Pathogenic. Last evaluated: 2024-02-09. Review status: criteria provided, single submitter. Criteria: Invitae Variant Classification Sherloc (09022015). Collection method: clinical testing. Allele origin: germline.
Comment: This sequence change creates a premature translational stop signal (p.His945Ilefs*10) in the FREM2 gene. It is expected to result in an absent or disrupted protein product. Loss-of-function variants in FREM2 are known to be pathogenic (PMID: 18203166, 26552811). This variant is present in population databases (rs759257554, gnomAD 0.002%). This variant has not been reported in the literature in individuals affected with FREM2-related conditions. ClinVar contains an entry for this variant (Variation ID: 1322940). For these reasons, this variant has been classified as Pathogenic.

Women's Health and Genetics/Laboratory Corporation of America, LabCorp
Classification: Likely pathogenic for Fraser syndrome 1. Last evaluated: 2023-04-14. Review status: criteria provided, single submitter. Criteria: LabCorp Variant Classification Summary - May 2015. Collection method: clinical testing. Allele origin: germline.
Comment: Variant summary: FREM2 c.2833delC (p.His945IlefsX10) results in a premature termination codon, predicted to cause a truncation of the encoded protein or absence of the protein due to nonsense mediated decay, which are commonly known mechanisms for disease. Truncations downstream of this position have been classified as pathogenic by our laboratory. The variant allele was found at a frequency of 8e-06 in 251346 control chromosomes (gnomAD). To our knowledge, no occurrence of c.2833delC in individuals affected with Cryptophthalmos Syndrome and no experimental evidence demonstrating its impact on protein function have been reported. One clinical diagnostic laboratory has submitted clinical-significance assessments for this variant to ClinVar after 2014 and classified the variant as pathogenic. Based on the evidence outlined above, the variant was classified as likely pathogenic.

Revvity Omics, Revvity
Classification: Pathogenic. Last evaluated: 2020-01-30. Review status: criteria provided, single submitter. Criteria: ACMG Guidelines, 2015. Collection method: clinical testing. Allele origin: germline.

Literature cited by the submitters: PubMed 18203166 (cited by Labcorp Genetics (formerly Invitae), Labcorp); PubMed 26552811 (cited by Labcorp Genetics (formerly Invitae), Labcorp).